The following is an entry in ClinVar:

ClinVar aggregate classification (germline): Pathogenic/Likely pathogenic. Review status: criteria provided, multiple submitters, no conflicts (2 of 4 stars). 2 submissions from 2 submitters: Pathogenic (1); Likely pathogenic (1). Last evaluated 2023-08-01.

Conditions:
Bardet-Biedl syndrome (BBS). Identifiers: Orphanet 110, MedGen C0752166, MONDO:0015229.
Bardet-Biedl syndrome 4 (BBS4). Identifiers: Orphanet 110, MedGen C2936864, MONDO:0014433, OMIM 615982.

Submissions (2):

Labcorp Genetics (formerly Invitae), Labcorp
Classification: Pathogenic for Bardet-Biedl syndrome. Last evaluated: 2023-08-01. Review status: criteria provided, single submitter. Criteria: Invitae Variant Classification Sherloc (09022015). Collection method: clinical testing. Allele origin: germline.
Comment: For these reasons, this variant has been classified as Pathogenic. This variant has not been reported in the literature in individuals affected with BBS4-related conditions. This variant is not present in population databases (gnomAD no frequency). This sequence change creates a premature translational stop signal (p.Pro30Leufs*9) in the BBS4 gene. It is expected to result in an absent or disrupted protein product. Loss-of-function variants in BBS4 are known to be pathogenic (PMID: 11381270, 12016587, 20177705, 27894351).

Baylor Genetics
Classification: Likely pathogenic for Bardet-Biedl syndrome 4. Last evaluated: 2023-02-11. Review status: criteria provided, single submitter. Criteria: ACMG Guidelines, 2015. Collection method: clinical testing. Allele origin: unknown.

Literature cited by the submitters: PubMed 11381270 (cited by Labcorp Genetics (formerly Invitae), Labcorp); PubMed 12016587 (cited by Labcorp Genetics (formerly Invitae), Labcorp); PubMed 20177705 (cited by Labcorp Genetics (formerly Invitae), Labcorp); PubMed 27894351 (cited by Labcorp Genetics (formerly Invitae), Labcorp).

NM_033028.5(BBS4):c.87del (p.Pro30fs)

Gene: BBS4 (Bardet-Biedl syndrome 4; plus strand). Cytogenetic location: 15q24.1.
Variant type: Deletion.
Coding change: c.87del on transcript NM_033028.5 (MANE Select); coding-DNA position 87, one base deleted (T; older notation c.87delT).
Protein change: p.Pro30fs; shifts the reading frame from proline 30.
Molecular consequence: frameshift variant. On other transcripts: 5 prime UTR variant (1), non-coding transcript variant (2).
Genome position (GRCh38, 1-based): chr15:72,709,710, T deleted; the last of 3 consecutive T bases (chr15:72,709,708-72,709,710); deleting any one gives the same sequence. VCF-style (leftmost placement, unchanged base first): chr15-72709707-GT-G. GRCh37 (hg19) VCF-style: chr15-73002048-GT-G.
Other names: c.-435del (NM_001252678.2); c.87del, p.Pro30fs (NM_001320665.2); short protein forms P30fs.
Identifiers: ClinVar variation 2680049 (VCV002680049.4), dbSNP rs2542931807, ClinGen allele CA2695197308.
Genomic context (GRCh38, chr15:72,709,707, plus strand): 5'-AAGGAGAAAATCTAATGACTGTGTTGTTTGTTTTGTCAAAATATGCTGCCTAGCTCCAGA[GT>G]TTCCTATTTTGGAGAAGCAGAACTGGTTGATTCATCTTCATTATATCCGGAAAGATTATG-3'